The following is an entry in ClinVar:

Conditions:
Breast-ovarian cancer, familial, susceptibility to, 1 (BROVCA1). Also called: BRCA1 Hereditary Breast and Ovarian Cancer; OVARIAN CANCER, SUSCEPTIBILITY TO. Identifiers: Orphanet 145, MedGen C2676676, MONDO:0011450, OMIM 604370. Disease mechanism: loss of function.

Submission:

Brotman Baty Institute, University of Washington
No classification provided (evidence only). Condition: Breast-ovarian cancer, familial 1. Review status: no classification provided. Collection method: in vitro. Allele origin: not applicable. Functional consequence: functionally_abnormal.
ClinVar note: "not provided" was previously submitted as the classification for the variant. However, the classification appeared to be based only on an observation of functional data so it was converted to no classification on 2025-07-30.

NM_007294.4(BRCA1):c.279T>G (p.Phe93Leu)

Gene: BRCA1 (BRCA1 DNA repair associated; minus strand). Cytogenetic location: 17q21.31.
Variant type: single nucleotide variant.
Coding change: c.279T>G on transcript NM_007294.4 (MANE Select); coding-DNA position 279, T replaced by G.
Protein change: p.Phe93Leu; replaces phenylalanine 93 with leucine.
Molecular consequence: missense variant. On other transcripts: non-coding transcript variant (1).
Genome position (GRCh38, 1-based): chr17:43,104,890, A>C on the plus strand (T>G on the coding strand, the complement: BRCA1 is on the minus strand). VCF-style: chr17-43104890-A-C. GRCh37 (hg19) VCF-style: chr17-41256907-A-C.
Other names: c.201T>G, p.Phe67Leu (NM_001407874.1, NM_001407875.1, NM_001408409.1 and 21 more transcripts); c.69T>G, p.Phe23Leu (NM_001407879.1, NM_001407881.1, NM_001407882.1 and 58 more transcripts); c.279T>G, p.Phe93Leu (NM_001407919.1, NM_001407937.1, NM_001407938.1 and 168 more transcripts); c.138T>G, p.Phe46Leu (NM_001407920.1, NM_001407921.1, NM_001407922.1 and 99 more transcripts); c.-103T>G (NM_001407959.1, NM_001407960.1, NM_001407962.1 and 4 more transcripts); c.147T>G, p.Phe49Leu (NM_001408451.1); short protein forms F46L, F93L, F67L, F23L, F49L.
Identifiers: ClinVar variation 865364 (VCV000865364.3), dbSNP rs2054676882, ClinGen allele CA10601596.